The following is an entry in ClinVar:

NM_001365999.1(SZT2):c.5498C>T (p.Pro1833Leu)

Gene: SZT2 (SZT2 subunit of KICSTOR complex; plus strand). Cytogenetic location: 1p34.2.
Variant type: single nucleotide variant.
Coding change: c.5498C>T on transcript NM_001365999.1 (MANE Select); coding-DNA position 5498, C replaced by T.
Protein change: p.Pro1833Leu; replaces proline 1833 with leucine.
Molecular consequence: missense variant.
Genome position (GRCh38, 1-based): chr1:43,432,572, C>T. VCF-style: chr1-43432572-C-T. GRCh37 (hg19) VCF-style: chr1-43898243-C-T.
Other names: c.5327C>T, p.Pro1776Leu (NM_015284.4); c.5327C>T (NM_015284.3); short protein forms P1776L, P1833L.
Identifiers: ClinVar variation 1024305 (VCV001024305.6), dbSNP rs759331186, ClinGen allele CA809595.

ClinVar aggregate classification (germline): Conflicting classifications of pathogenicity. Review status: criteria provided, conflicting classifications (1 of 4 stars). 3 submissions from 3 submitters: Uncertain significance (2); Likely benign (1). Last evaluated 2025-03-04.

Conditions:
Developmental and epileptic encephalopathy, 18 (DEE18). Also called: Early infantile epileptic encephalopathy 18. Identifiers: Orphanet 369894, MedGen C3809624, MONDO:0014201, OMIM 615476.
Inborn genetic diseases. Identifiers: MedGen C0950123, MeSH D030342.

Allele frequency attached by ClinVar (database versions not stated): gnomAD 0.00001; TOPMed 0.00004; ExAC 0.00008; gnomAD exomes 0.00010.
gnomAD v4.1: 26 of 1,613,582 alleles (0.0016%); highest among the groups gnomAD compares: Admixed American, 0.042%; no homozygotes.

Submissions (3):

Ambry Genetics
Classification: Likely benign for Inborn genetic diseases. Last evaluated: 2025-03-04. Review status: criteria provided, single submitter. Criteria: Ambry Variant Classification Scheme 2023. Collection method: clinical testing. Allele origin: germline.

Revvity Omics, Revvity
Classification: Uncertain significance for Developmental and epileptic encephalopathy, 18. Last evaluated: 2023-08-18. Review status: criteria provided, single submitter. Criteria: ACMG Guidelines, 2015. Collection method: clinical testing. Allele origin: germline.

Labcorp Genetics (formerly Invitae), Labcorp
Classification: Uncertain significance. Last evaluated: 2022-05-28. Review status: criteria provided, single submitter. Criteria: Invitae Variant Classification Sherloc (09022015). Collection method: clinical testing. Allele origin: germline.
Comment: This sequence change replaces proline, which is neutral and non-polar, with leucine, which is neutral and non-polar, at codon 1776 of the SZT2 protein (p.Pro1776Leu). This variant is present in population databases (rs759331186, gnomAD 0.06%). This variant has not been reported in the literature in individuals affected with SZT2-related conditions. ClinVar contains an entry for this variant (Variation ID: 1024305). Algorithms developed to predict the effect of missense changes on protein structure and function output the following: SIFT: "Tolerated"; PolyPhen-2: "Benign"; Align-GVGD: "Class C0". The leucine amino acid residue is found in multiple mammalian species, which suggests that this missense change does not adversely affect protein function. In summary, the available evidence is currently insufficient to determine the role of this variant in disease. Therefore, it has been classified as a Variant of Uncertain Significance.